The following is an entry in ClinVar:

NM_000127.3(EXT1):c.591C>T (p.Ser197=)

Gene: EXT1 (exostosin glycosyltransferase 1; minus strand). Cytogenetic location: 8q24.11.
Variant type: single nucleotide variant.
Coding change: c.591C>T on transcript NM_000127.3 (MANE Select); coding-DNA position 591, C replaced by T.
Protein change: p.Ser197=; no amino-acid change (serine 197 retained).
Molecular consequence: synonymous variant.
Genome position (GRCh38, 1-based): chr8:118,110,456, G>A on the plus strand (C>T on the coding strand, the complement: EXT1 is on the minus strand). VCF-style: chr8-118110456-G-A. GRCh37 (hg19) VCF-style: chr8-119122695-G-A.
Identifiers: ClinVar variation 681907 (VCV000681907.9), dbSNP rs770795716, ClinGen allele CA4854340.

ClinVar aggregate classification (germline): Likely benign. Review status: criteria provided, multiple submitters, no conflicts (2 of 4 stars). 2 submissions from 2 submitters: Likely benign (2). Last evaluated 2024-11-03.

Conditions:
Multiple congenital exostosis (EXT). Also called: Hereditary multiple exostoses; Hereditary multiple exostosis; Hereditary multiple osteochondromas; Multiple exostoses; Multiple osteochondromas; MULTIPLE CARTILAGINOUS EXOSTOSES. Identifiers: Orphanet 321, MedGen C0015306, MONDO:0005508, HP:0002762.

Allele frequency attached by ClinVar (database versions not stated): gnomAD exomes 0.00001 and 0.00002; ExAC 0.00003; gnomAD 0.00004; TOPMed 0.00007.
gnomAD v4.1: 14 of 1,613,916 alleles (0.00087%); highest among the groups gnomAD compares: African/African-American, 0.0067%; no homozygotes.

Submissions (2):

Labcorp Genetics (formerly Invitae), Labcorp
Classification: Likely benign for Multiple congenital exostosis. Last evaluated: 2024-11-03. Review status: criteria provided, single submitter. Criteria: Invitae Variant Classification Sherloc (09022015). Collection method: clinical testing. Allele origin: germline.

GeneDx
Classification: Likely benign. Last evaluated: 2018-04-04. Review status: criteria provided, single submitter. Criteria: GeneDx Variant Classification (06012015). Collection method: clinical testing. Allele origin: germline. Affected: yes.
Comment: This variant is considered likely benign or benign based on one or more of the following criteria: it is a conservative change, it occurs at a poorly conserved position in the protein, it is predicted to be benign by multiple in silico algorithms, and/or has population frequency not consistent with disease.